The following is an entry in ClinVar:

ClinVar aggregate classification (germline): Uncertain significance (1 of 4 stars; one submission).

gnomAD v4.1: 7 of 1,550,978 alleles (0.00045%); highest among the groups gnomAD compares: Non-Finnish European, 0.00044%; no homozygotes.

Submission:

CeGaT Center for Human Genetics Tuebingen
Classification: Uncertain significance. Last evaluated: 2025-09-01. Review status: criteria provided, single submitter. Criteria: CeGaT Center For Human Genetics Tuebingen Variant Classification Criteria Version 2. Collection method: clinical testing. Allele origin: germline. Affected: yes. Observed: 1 variant allele.
Comment: PDE2A: PM2, BP4

NM_002599.5(PDE2A):c.683G>T (p.Arg228Leu)

Gene: PDE2A (phosphodiesterase 2A; minus strand). Cytogenetic location: 11q13.4.
Variant type: single nucleotide variant.
Coding change: c.683G>T on transcript NM_002599.5 (MANE Select); coding-DNA position 683, G replaced by T.
Protein change: p.Arg228Leu; replaces arginine 228 with leucine.
Molecular consequence: missense variant.
Genome position (GRCh38, 1-based): chr11:72,590,447, C>A on the plus strand (G>T on the coding strand, the complement: PDE2A is on the minus strand). VCF-style: chr11-72590447-C-A. GRCh37 (hg19) VCF-style: chr11-72301491-C-A.
Other names: c.662G>T, p.Arg221Leu (NM_001143839.4); c.656G>T, p.Arg219Leu (NM_001146209.3); c.620G>T, p.Arg207Leu (NM_001243784.2); short protein forms R207L, R219L, R221L, R228L.
Identifiers: ClinVar variation 4281409 (VCV004281409.7).